The following is an entry in ClinVar:

ClinVar aggregate classification (germline): Benign/Likely benign. Review status: criteria provided, multiple submitters, no conflicts (2 of 4 stars). 2 submissions from 2 submitters: Benign (1); Likely benign (1). Last evaluated 2018-06-14.

Allele frequency attached by ClinVar (database versions not stated): 1000 Genomes Project 0.08087; gnomAD 0.08654 and 0.08191; gnomAD exomes 0.03099 and 0.03647; ExAC 0.06124; 1000 Genomes Project 30x 0.08542; TOPMed 0.08741.

Submissions (2):

GeneDx
Classification: Benign. Last evaluated: 2018-06-14. Review status: criteria provided, single submitter. Criteria: GeneDx Variant Classification (06012015). Collection method: clinical testing. Allele origin: germline. Affected: yes.
Comment: This variant is considered likely benign or benign based on one or more of the following criteria: it is a conservative change, it occurs at a poorly conserved position in the protein, it is predicted to be benign by multiple in silico algorithms, and/or has population frequency not consistent with disease.

Breakthrough Genomics
Classification: Likely benign. Review status: criteria provided, single submitter. Criteria: ACMG Guidelines, 2015. Collection method: not provided. Allele origin: germline. Inheritance: Autosomal recessive inheritance. Affected: yes.

NM_018718.2(CEP41):c.-144G>A

Gene: CEP41 (centrosomal protein 41; minus strand). Cytogenetic location: 7q32.2.
Variant type: single nucleotide variant.
Coding change: c.-144G>A on transcript NM_018718.2; 144 bases upstream of the start codon, G replaced by A.
Genome position (GRCh38, 1-based): chr7:130,441,110, C>T on the plus strand (G>A on the coding strand, the complement: CEP41 is on the minus strand). VCF-style: chr7-130441110-C-T. GRCh37 (hg19) VCF-style: chr7-130080951-C-T.
Identifiers: ClinVar variation 358947 (VCV000358947.9), dbSNP rs10230435, ClinGen allele CA4485796.
Genomic context (GRCh38, chr7:130,441,110, plus strand): 5'-GCCGCCTCCCTATACCCTCTTCTCCGATTGGCCCGTCTTCCCCGGCCGGCCAATGGGGGC[C>T]CCGTTTACTCTCTCATCTCAGGGTCGCAGAAGGGCAAGACGCCGCTCAATGGTTGCCAAG-3'